The following is an entry in ClinVar:

NM_002588.4(PCDHGC3):c.666A>G (p.Pro222=)

Genes: PCDHG@ (protocadherin gamma cluster; plus strand), PCDHGA1 (protocadherin gamma subfamily A, 1; plus strand), PCDHGA10 (protocadherin gamma subfamily A, 10; plus strand), PCDHGA11 (protocadherin gamma subfamily A, 11; plus strand), PCDHGA12 (protocadherin gamma subfamily A, 12; plus strand) and 16 more. Cytogenetic location: 5q31.3.
Variant type: single nucleotide variant.
Coding change: c.666A>G on transcript NM_002588.4 (MANE Select); coding-DNA position 666, A replaced by G.
Protein change: p.Pro222=; no amino-acid change (proline 222 retained).
Molecular consequence: synonymous variant. On other transcripts: intron variant (21).
Genome position (GRCh38, 1-based): chr5:141,476,782, A>G. VCF-style: chr5-141476782-A-G. GRCh37 (hg19) VCF-style: chr5-140856349-A-G.
Other names: c.666A>G, p.Pro222= (NM_032402.2); c.2422-18025A>G (NM_018912.3, NM_018923.3, NM_018918.3); c.2425-18025A>G (NM_018915.4, NM_018916.4, NM_018919.3 and 4 more transcripts); c.2410-18025A>G (NM_018922.3); c.2515-18025A>G (NM_018917.4); c.2416-18025A>G (NM_018924.5, NM_018927.4); c.2398-18025A>G (NM_003736.4, NM_018925.3); c.2419-18025A>G (NM_018926.3); and 4 more.
Identifiers: ClinVar variation 3257596 (VCV003257596.17).
Genomic context (GRCh38, chr5:141,476,782, plus strand): 5'-GGACCGAGAACGGGAGCCTAGTCTCCAGTTAGTGCTGACGGCGTTGGACGGAGGGACCCC[A>G]GCTCTCTCCGCCAGCCTGCCTATTCACATCAAGGTGCTGGACGCGAATGACAATGCGCCT-3'
Protein context (NP_002579.2, residues 212-232): LVLTALDGGT[Pro222=]ALSASLPIHI

ClinVar aggregate classification (germline): Benign (1 of 4 stars; one submission).

gnomAD v4.1: 18,517 of 1,613,566 alleles (1.1%); highest among the groups gnomAD compares: Non-Finnish European, 1.4%; 139 homozygotes.

Submission:

CeGaT Center for Human Genetics Tuebingen
Classification: Benign. Last evaluated: 2024-07-01. Review status: criteria provided, single submitter. Criteria: CeGaT Center For Human Genetics Tuebingen Variant Classification Criteria Version 2. Collection method: clinical testing. Allele origin: germline. Affected: yes. Observed: 1 variant allele.
Comment: PCDHGC3: BP4, BP7, BS1, BS2